The following is an entry in ClinVar:

ClinVar aggregate classification (germline): Uncertain significance (1 of 4 stars; one submission).

Conditions:
Hereditary cancer-predisposing syndrome. Also called: Hereditary neoplastic syndrome; Neoplastic Syndromes, Hereditary; Hereditary Cancer Syndrome; Tumor predisposition. Identifiers: Orphanet 140162, MedGen C0027672, MeSH D009386, MONDO:0015356.

Submission:

Labcorp Genetics (formerly Invitae), Labcorp
Classification: Uncertain significance for Hereditary cancer-predisposing syndrome. Last evaluated: 2022-10-14. Review status: criteria provided, single submitter. Criteria: Invitae Variant Classification Sherloc (09022015). Collection method: clinical testing. Allele origin: germline.
Comment: In summary, the available evidence is currently insufficient to determine the role of this variant in disease. Therefore, it has been classified as a Variant of Uncertain Significance. Advanced modeling of protein sequence and biophysical properties (such as structural, functional, and spatial information, amino acid conservation, physicochemical variation, residue mobility, and thermodynamic stability) performed at Invitae indicates that this missense variant is expected to disrupt RAD50 protein function. This variant has not been reported in the literature in individuals affected with RAD50-related conditions. This variant is not present in population databases (gnomAD no frequency). This sequence change replaces glutamic acid, which is acidic and polar, with glycine, which is neutral and non-polar, at codon 723 of the RAD50 protein (p.Glu723Gly).

NM_005732.4(RAD50):c.2168A>G (p.Glu723Gly)

Gene: RAD50 (RAD50 double strand break repair protein; plus strand). Cytogenetic location: 5q31.1.
Variant type: single nucleotide variant.
Coding change: c.2168A>G on transcript NM_005732.4 (MANE Select); coding-DNA position 2168, A replaced by G.
Protein change: p.Glu723Gly; replaces glutamic acid 723 with glycine.
Molecular consequence: missense variant.
Genome position (GRCh38, 1-based): chr5:132,595,771, A>G. VCF-style: chr5-132595771-A-G. GRCh37 (hg19) VCF-style: chr5-131931463-A-G.
Other names: short protein forms E723G.
Identifiers: ClinVar variation 1721635 (VCV001721635.6), dbSNP rs2479652323, ClinGen allele CA360950632.